The following is an entry in ClinVar:

NM_001458.5(FLNC):c.3090C>T (p.Pro1030=)

Gene: FLNC (filamin C; plus strand). Cytogenetic location: 7q32.1.
Variant type: single nucleotide variant.
Coding change: c.3090C>T on transcript NM_001458.5 (MANE Select); coding-DNA position 3090, C replaced by T.
Protein change: p.Pro1030=; no amino-acid change (proline 1030 retained).
Molecular consequence: synonymous variant.
Genome position (GRCh38, 1-based): chr7:128,844,164, C>T. VCF-style: chr7-128844164-C-T. GRCh37 (hg19) VCF-style: chr7-128484218-C-T.
Other names: c.3090C>T, p.Pro1030= (NM_001127487.2).
Identifiers: ClinVar variation 671611 (VCV000671611.22), dbSNP rs760926290, ClinGen allele CA4474950.

ClinVar aggregate classification (germline): Benign/Likely benign. Review status: criteria provided, multiple submitters, no conflicts (2 of 4 stars). 8 submissions from 8 submitters: Benign (1); Likely benign (4). 3 of the submissions do not count toward it. Last evaluated 2026-06-01.

Conditions:
Hypertrophic cardiomyopathy 26. Also called: Cardiomyopathy, familial hypertrophic, 26. Identifiers: Orphanet 75249, MedGen C4310749, MONDO:0014883, OMIM 617047.
Myofibrillar myopathy 5. Also called: Filaminopathy (type); FILAMINOPATHY, AUTOSOMAL DOMINANT. Identifiers: Orphanet 171445, MedGen C1836050, MONDO:0012289, OMIM 609524.
Distal myopathy with posterior leg and anterior hand involvement. Also called: WILLIAMS DISTAL MYOPATHY. Identifiers: Orphanet 63273, MedGen C3279722, MONDO:0013550, OMIM 614065.
FLNC-related disorder. Also called: FLNC-related condition; FLNC-related disorders.
Cardiovascular phenotype. Identifiers: MedGen CN230736.

Allele frequency attached by ClinVar (database versions not stated): ExAC 0.00001; gnomAD exomes 0.00006; gnomAD 0.00012 and 0.00013; TOPMed 0.00015.
gnomAD v4.1: 64 of 1,613,784 alleles (0.004%); highest among the groups gnomAD compares: Admixed American, 0.042%; no homozygotes.

Submissions (8):

CeGaT Center for Human Genetics Tuebingen
Classification: Likely benign. Last evaluated: 2026-06-01. Review status: criteria provided, single submitter. Criteria: CeGaT Center For Human Genetics Tuebingen Variant Classification Criteria Version 2. Collection method: clinical testing. Allele origin: germline. Affected: yes. Observed: 1 variant allele.
Comment: FLNC: BP4, BP7

Labcorp Genetics (formerly Invitae), Labcorp
Classification: Likely benign for Distal myopathy with posterior leg and anterior hand involvement; Myofibrillar myopathy 5; Hypertrophic cardiomyopathy 26. Last evaluated: 2026-01-12. Review status: criteria provided, single submitter. Criteria: Invitae Variant Classification Sherloc (09022015). Collection method: clinical testing. Allele origin: germline.

Women's Health and Genetics/Laboratory Corporation of America, LabCorp
Classification: Benign. Last evaluated: 2025-01-04. Review status: criteria provided, single submitter. Criteria: LabCorp Variant Classification Summary - May 2015. Collection method: clinical testing. Allele origin: germline.

Ambry Genetics
Classification: Likely benign for Cardiovascular phenotype. Last evaluated: 2020-07-28. Review status: criteria provided, single submitter. Criteria: Ambry Variant Classification Scheme 2023. Collection method: clinical testing. Allele origin: germline.

GeneDx
Classification: Likely benign. Last evaluated: 2018-06-08. Review status: criteria provided, single submitter. Criteria: GeneDx Variant Classification (06012015). Collection method: clinical testing. Allele origin: germline. Affected: yes.
Comment: This variant is considered likely benign or benign based on one or more of the following criteria: it is a conservative change, it occurs at a poorly conserved position in the protein, it is predicted to be benign by multiple in silico algorithms, and/or has population frequency not consistent with disease.

PreventionGenetics, part of Exact Sciences
Classification: Likely benign for FLNC-related condition. Last evaluated: 2022-07-26. Review status: no assertion criteria provided. Collection method: clinical testing. Allele origin: germline. Not counted in ClinVar's aggregate classification.
Comment: This variant is classified as likely benign based on ACMG/AMP sequence variant interpretation guidelines (Richards et al. 2015 PMID: 25741868, with internal and published modifications).

Clinical Genetics, Academic Medical Center
Classification: Benign. Review status: no assertion criteria provided. Collection method: clinical testing. Allele origin: germline. Affected: yes. Study: VKGL Data-share Consensus. Not counted in ClinVar's aggregate classification.

Genome Diagnostics Laboratory, University Medical Center Utrecht
Classification: Likely benign. Review status: no assertion criteria provided. Collection method: clinical testing. Allele origin: germline. Affected: yes. Study: VKGL Data-share Consensus. Not counted in ClinVar's aggregate classification.